The following is an entry in ClinVar:

NM_001375524.1(TRRAP):c.1571T>C (p.Val524Ala)

Gene: TRRAP (transformation/transcription domain associated protein; plus strand). Cytogenetic location: 7q22.1.
Variant type: single nucleotide variant.
Coding change: c.1571T>C on transcript NM_001375524.1 (MANE Select); coding-DNA position 1571, T replaced by C.
Protein change: p.Val524Ala; replaces valine 524 with alanine.
Molecular consequence: missense variant.
Genome position (GRCh38, 1-based): chr7:98,910,276, T>C. VCF-style: chr7-98910276-T-C. GRCh37 (hg19) VCF-style: chr7-98507899-T-C.
Other names: c.1571T>C, p.Val524Ala (NM_001244580.2, NM_003496.4); short protein forms V524A.
Identifiers: ClinVar variation 1722988 (VCV001722988.5), dbSNP rs1554408508, ClinGen allele CA368286500.
Genomic context (GRCh38, chr7:98,910,276, plus strand): 5'-CTGCCCCACCTCCACCCCCGCCCCCACCCCCACCTGCCACCCCTGTGACCCCGGCCCCCG[T>C]GCCTCCCTTCGAGAAGCAAGGAGAAAAGGACAAGGAAGACAAGCAGACATTCCAAGTCAC-3'
Protein context (NP_001362453.1, residues 514-534): PPATPVTPAP[Val524Ala]PPFEKQGEKD

ClinVar aggregate classification (germline): Uncertain significance. Review status: criteria provided, multiple submitters, no conflicts (2 of 4 stars). 2 submissions from 2 submitters: Uncertain significance (2). Last evaluated 2023-01-30.

Submissions (2):

Labcorp Genetics (formerly Invitae), Labcorp
Classification: Uncertain significance. Last evaluated: 2023-01-30. Review status: criteria provided, single submitter. Criteria: Invitae Variant Classification Sherloc (09022015). Collection method: clinical testing. Allele origin: germline.
Comment: In summary, the available evidence is currently insufficient to determine the role of this variant in disease. Therefore, it has been classified as a Variant of Uncertain Significance. Advanced modeling of protein sequence and biophysical properties (such as structural, functional, and spatial information, amino acid conservation, physicochemical variation, residue mobility, and thermodynamic stability) performed at Invitae indicates that this missense variant is not expected to disrupt TRRAP protein function. ClinVar contains an entry for this variant (Variation ID: 1722988). This variant has not been reported in the literature in individuals affected with TRRAP-related conditions. The frequency data for this variant in the population databases is considered unreliable, as metrics indicate poor data quality at this position in the gnomAD database. This sequence change replaces valine, which is neutral and non-polar, with alanine, which is neutral and non-polar, at codon 524 of the TRRAP protein (p.Val524Ala).

GeneDx
Classification: Uncertain significance. Last evaluated: 2022-05-05. Review status: criteria provided, single submitter. Criteria: GeneDx Variant Classification Process June 2021. Collection method: clinical testing. Allele origin: germline. Affected: yes.
Comment: In silico analysis supports that this missense variant does not alter protein structure/function; Has not been previously published as pathogenic or benign to our knowledge